The following is an entry in ClinVar:

NM_001543.5(NDST1):c.891C>T (p.Ala297=)

Gene: NDST1 (N-deacetylase and N-sulfotransferase 1; plus strand). Cytogenetic location: 5q33.1.
Variant type: single nucleotide variant.
Coding change: c.891C>T on transcript NM_001543.5 (MANE Select); coding-DNA position 891, C replaced by T.
Protein change: p.Ala297=; no amino-acid change (alanine 297 retained).
Molecular consequence: synonymous variant.
Genome position (GRCh38, 1-based): chr5:150,528,181, C>T. VCF-style: chr5-150528181-C-T. GRCh37 (hg19) VCF-style: chr5-149907743-C-T.
Other names: c.891C>T, p.Ala297= (NM_001301063.2).
Identifiers: ClinVar variation 1564730 (VCV001564730.32), dbSNP rs138424339, ClinGen allele CA3512508.

ClinVar aggregate classification (germline): Likely benign. Review status: criteria provided, multiple submitters, no conflicts (2 of 4 stars). 3 submissions from 3 submitters: Likely benign (3). Last evaluated 2025-08-21.

Allele frequency attached by ClinVar (database versions not stated): ESP Exome Variant Server 0.00023; gnomAD 0.00027 and 0.00031; 1000 Genomes Project 30x 0.00031; TOPMed 0.00060; gnomAD exomes 0.00005 and 0.00008; ExAC 0.00010; 1000 Genomes Project 0.00020.
gnomAD v4.1: 131 of 1,614,212 alleles (0.0081%); highest among the groups gnomAD compares: Admixed American, 0.055%; no homozygotes.

Submissions (3):

Labcorp Genetics (formerly Invitae), Labcorp
Classification: Likely benign. Last evaluated: 2025-08-21. Review status: criteria provided, single submitter. Criteria: Invitae Variant Classification Sherloc (09022015). Collection method: clinical testing. Allele origin: germline.

Blueprint Genetics
Classification: Likely benign. Last evaluated: 2023-10-21. Review status: criteria provided, single submitter. Criteria: ACMG Guidelines, 2015. Collection method: clinical testing. Allele origin: germline.

CeGaT Center for Human Genetics Tuebingen
Classification: Likely benign. Last evaluated: 2022-05-01. Review status: criteria provided, single submitter. Criteria: CeGaT Center For Human Genetics Tuebingen Variant Classification Criteria Version 2. Collection method: clinical testing. Allele origin: germline. Affected: yes. Observed: 1 variant allele.
Comment: NDST1: BP4, BP7